The following is an entry in ClinVar:

NM_001124758.3(SPNS2):c.1628_1645dup (p.Lys548_Val549insAlaProAlaSerValLys)

Gene: SPNS2 (SPNS lysolipid transporter 2, sphingosine-1-phosphate; plus strand). Cytogenetic location: 17p13.2.
Variant type: Duplication.
Coding change: c.1628_1645dup on transcript NM_001124758.3 (MANE Select); coding-DNA positions 1628 to 1645, 18 bases duplicated (CGCCCGCATCTGTGAAAG).
Protein change: p.Lys548_Val549insAlaProAlaSerValLys.
Molecular consequence: inframe insertion.
Genome position (GRCh38, 1-based): chr17:4,536,920-4,536,937, CGCCCGCATCTGTGAAAG duplicated. VCF-style (leftmost placement, unchanged base first): chr17-4536919-C-CCGCCCGCATCTGTGAAAG. GRCh37 (hg19) VCF-style: chr17-4440214-C-CCGCCCGCATCTGTGAAAG.
Identifiers: ClinVar variation 3351285 (VCV003351285.1).
Genomic context (GRCh38, chr17:4,536,919, plus strand): 5'-CGCTGATGCACCACCCTGACCCCCGCCCGTCTCTCCCCCAGGGTGAACCAGCTGGCGATG[C>CCGCCCGCATCTGTGAAAG]CGCCCGCATCTGTGAAAGTCTGAGGTGGTGAGTGCAGGCCGGGAGGCACGTGGGGGCTCC-3'

ClinVar aggregate classification (germline): Uncertain significance (0 of 4 stars; one submission).

Conditions:
SPNS2-related disorder. Also called: SPNS2-related condition.

Submission:

PreventionGenetics, part of Exact Sciences
Classification: Uncertain significance for SPNS2-related condition. Last evaluated: 2024-09-26. Review status: no assertion criteria provided. Collection method: clinical testing. Allele origin: germline.
Comment: The SPNS2 c.1628_1645dup18 variant is predicted to result in an in-frame duplication (p.Lys548_Val549insAlaProAlaSerValLys). To our knowledge, this variant has not been reported in the literature. This variant is reported in 0.011% of alleles in individuals of Latino descent in gnomAD. At this time, the clinical significance of this variant is uncertain due to the absence of conclusive functional and genetic evidence.